The following is an entry in ClinVar:

NM_145200.5(CABP4):c.787G>A (p.Val263Ile)

Gene: CABP4 (calcium binding protein 4; plus strand). Cytogenetic location: 11q13.2.
Variant type: single nucleotide variant.
Coding change: c.787G>A on transcript NM_145200.5 (MANE Select); coding-DNA position 787, G replaced by A.
Protein change: p.Val263Ile; replaces valine 263 with isoleucine.
Molecular consequence: missense variant. On other transcripts: non-coding transcript variant (1).
Genome position (GRCh38, 1-based): chr11:67,458,506, G>A. VCF-style: chr11-67458506-G-A. GRCh37 (hg19) VCF-style: chr11-67225977-G-A.
Other names: c.472G>A, p.Val158Ile (NM_001300895.3, NM_001300896.3, NM_001379183.1); short protein forms V158I, V263I.
Identifiers: ClinVar variation 707235 (VCV000707235.14), dbSNP rs146738494, ClinGen allele CA6140345.

ClinVar aggregate classification (germline): Conflicting classifications of pathogenicity. Review status: criteria provided, conflicting classifications (1 of 4 stars). 4 submissions from 4 submitters: Uncertain significance (1); Benign (1); Likely benign (2). Last evaluated 2026-01-25.

Conditions:
CABP4-related disorder. Also called: CABP4-related condition.
Inborn genetic diseases. Identifiers: MedGen C0950123, MeSH D030342.

Allele frequency attached by ClinVar (database versions not stated): gnomAD 0.00013; TOPMed 0.00016; ESP Exome Variant Server 0.00023; ExAC 0.00043; gnomAD exomes 0.00043.

Submissions (4):

Labcorp Genetics (formerly Invitae), Labcorp
Classification: Benign. Last evaluated: 2026-01-25. Review status: criteria provided, single submitter. Criteria: Invitae Variant Classification Sherloc (09022015). Collection method: clinical testing. Allele origin: germline.

PreventionGenetics, part of Exact Sciences
Classification: Likely benign for CABP4-related condition. Last evaluated: 2025-10-05. Review status: criteria provided, single submitter. Criteria: ACMG Guidelines, 2015. Collection method: clinical testing. Allele origin: germline.
Comment: This variant is classified as likely benign based on ACMG/AMP sequence variant interpretation guidelines (Richards et al. 2015 PMID: 25741868, with internal and published modifications).

Blueprint Genetics
Classification: Likely benign. Last evaluated: 2024-07-18. Review status: criteria provided, single submitter. Criteria: ACMG Guidelines, 2015. Collection method: clinical testing. Allele origin: germline.

Ambry Genetics
Classification: Uncertain significance for Inborn genetic diseases. Last evaluated: 2023-05-31. Review status: criteria provided, single submitter. Criteria: Ambry Variant Classification Scheme 2023. Collection method: clinical testing. Allele origin: germline.